The following is an entry in ClinVar:

ClinVar aggregate classification (germline): Uncertain significance (1 of 4 stars; one submission).

Conditions:
Hereditary cancer-predisposing syndrome. Also called: Hereditary Cancer Syndrome; Tumor predisposition; Hereditary neoplastic syndrome; Neoplastic Syndromes, Hereditary. Identifiers: Orphanet 140162, MedGen C0027672, MeSH D009386, MONDO:0015356.

Submission:

Ambry Genetics
Classification: Uncertain significance for Hereditary cancer-predisposing syndrome. Last evaluated: 2024-08-25. Review status: criteria provided, single submitter. Criteria: Ambry Variant Classification Scheme 2023. Collection method: clinical testing. Allele origin: germline.
Comment: The p.C545W variant (also known as c.1635T>G), located in coding exon 4 of the MET gene, results from a T to G substitution at nucleotide position 1635. The cysteine at codon 545 is replaced by tryptophan, an amino acid with highly dissimilar properties. This amino acid position is conserved. In addition, this alteration is predicted to be deleterious by in silico analysis. Based on the available evidence, the clinical significance of this variant remains unclear.

NM_000245.4(MET):c.1635T>G (p.Cys545Trp)

Gene: MET (MET proto-oncogene, receptor tyrosine kinase; plus strand). Cytogenetic location: 7q31.2.
Variant type: single nucleotide variant.
Coding change: c.1635T>G on transcript NM_000245.4 (MANE Select); coding-DNA position 1635, T replaced by G.
Protein change: p.Cys545Trp; replaces cysteine 545 with tryptophan.
Molecular consequence: missense variant.
Genome position (GRCh38, 1-based): chr7:116,740,959, T>G. VCF-style: chr7-116740959-T-G. GRCh37 (hg19) VCF-style: chr7-116381013-T-G.
Other names: c.1635T>G, p.Cys545Trp (NM_001127500.3, NM_001324401.3); c.345T>G, p.Cys115Trp (NM_001324402.2); short protein forms C545W, C115W.
Identifiers: ClinVar variation 3395141 (VCV003395141.1).